The following is an entry in ClinVar:

NM_004990.4(MARS1):c.577C>G (p.Gln193Glu)

Gene: MARS1 (methionyl-tRNA synthetase 1; plus strand). Cytogenetic location: 12q13.3.
Variant type: single nucleotide variant.
Coding change: c.577C>G on transcript NM_004990.4 (MANE Select); coding-DNA position 577, C replaced by G.
Protein change: p.Gln193Glu; replaces glutamine 193 with glutamic acid.
Molecular consequence: missense variant.
Genome position (GRCh38, 1-based): chr12:57,490,293, C>G. VCF-style: chr12-57490293-C-G. GRCh37 (hg19) VCF-style: chr12-57884076-C-G.
Other names: short protein forms Q193E.
Identifiers: ClinVar variation 2472312 (VCV002472312.5), dbSNP rs372283342, ClinGen allele CA6650216.

ClinVar aggregate classification (germline): Uncertain significance. Review status: criteria provided, multiple submitters, no conflicts (2 of 4 stars). 2 submissions from 2 submitters: Uncertain significance (2). Last evaluated 2024-09-23.

Conditions:
Severe early-onset pulmonary alveolar proteinosis due to MARS deficiency. Also called: Interstitial lung and liver disease; PULMONARY ALVEOLAR PROTEINOSIS, REUNION ISLAND. Identifiers: Orphanet 440427, MedGen C4225400, MONDO:0014206, OMIM 615486.
Charcot-Marie-Tooth disease axonal type 2U. Also called: CHARCOT-MARIE-TOOTH NEUROPATHY, TYPE 2U; CHARCOT-MARIE-TOOTH DISEASE, AXONAL, AUTOSOMAL DOMINANT, TYPE 2U. Identifiers: Orphanet 397735, MedGen C4084821, MONDO:0014566, OMIM 616280.

Allele frequency attached by ClinVar (database versions not stated): TOPMed below 0.00001; gnomAD exomes 0.00004; ESP Exome Variant Server 0.00008; ExAC 0.00011.
gnomAD v4.1: 52 of 1,613,248 alleles (0.0032%); highest among the groups gnomAD compares: South Asian, 0.052%; 1 homozygote.

Submissions (2):

Labcorp Genetics (formerly Invitae), Labcorp
Classification: Uncertain significance for Charcot-Marie-Tooth disease axonal type 2U; Severe early-onset pulmonary alveolar proteinosis due to MARS deficiency. Last evaluated: 2024-09-23. Review status: criteria provided, single submitter. Criteria: Invitae Variant Classification Sherloc (09022015). Collection method: clinical testing. Allele origin: germline.
Comment: This sequence change replaces glutamine, which is neutral and polar, with glutamic acid, which is acidic and polar, at codon 193 of the MARS protein (p.Gln193Glu). This variant is present in population databases (rs372283342, gnomAD 0.08%), including at least one homozygous and/or hemizygous individual. This variant has not been reported in the literature in individuals affected with MARS-related conditions. ClinVar contains an entry for this variant (Variation ID: 2472312). An algorithm developed to predict the effect of missense changes on protein structure and function (PolyPhen-2) suggests that this variant is likely to be tolerated. In summary, the available evidence is currently insufficient to determine the role of this variant in disease. Therefore, it has been classified as a Variant of Uncertain Significance.

Ambry Genetics
Classification: Uncertain significance. Last evaluated: 2023-03-14. Review status: criteria provided, single submitter. Criteria: Ambry Variant Classification Scheme 2023. Collection method: clinical testing. Allele origin: germline.